The following is an entry in ClinVar:

NM_000238.4(KCNH2):c.1745_1746dup (p.Ile583fs)

Gene: KCNH2 (potassium voltage-gated channel subfamily H member 2; minus strand). Cytogenetic location: 7q36.1.
Variant type: Duplication.
Coding change: c.1745_1746dup on transcript NM_000238.4 (MANE Select); coding-DNA positions 1745 to 1746, 2 bases duplicated (GC; older notation c.1745_1746dupGC).
Protein change: p.Ile583fs; shifts the reading frame from isoleucine 583.
Molecular consequence: frameshift variant.
Genome position (GRCh38, 1-based): chr7:150,951,647-150,951,648, GC duplicated on the plus strand (GC on the coding strand, the reverse complement: KCNH2 is on the minus strand); duplicating any 2 consecutive bases within chr7:150,951,647-150,951,649 gives the same sequence; the c. name uses the placement nearest the transcript's 3' end. VCF-style (leftmost placement, unchanged base first): chr7-150951646-T-TGC. GRCh37 (hg19) VCF-style: chr7-150648734-T-TGC.
Other names: c.1745_1746dup (NM_000238.3); c.725_726dup, p.Ile243fs (NM_001204798.2, NM_172057.3); c.1456_1457dup, p.Ile487Alafs (NM_001406753.1, NM_001406756.1); c.1567_1568dup, p.Ile524Alafs (NM_001406755.1); c.1444_1445dup, p.Ile483Alafs (NM_001406757.1); c.1744_1745dup, p.Ile583Alafs (NM_172056.3); short protein forms I243fs, I583fs.
Identifiers: ClinVar variation 958799 (VCV000958799.11), dbSNP rs1801170310, ClinGen allele CA1139660310.

ClinVar aggregate classification (germline): Pathogenic (1 of 4 stars; one submission).

Conditions:
Long QT syndrome (LQTS). Identifiers: MedGen C0023976, MeSH D008133, MONDO:0002442. Disease mechanism: loss of function. Inheritance: Various modes of inheritance.

Submission:

Labcorp Genetics (formerly Invitae), Labcorp
Classification: Pathogenic for Long QT syndrome. Last evaluated: 2023-10-04. Review status: criteria provided, single submitter. Criteria: Invitae Variant Classification Sherloc (09022015). Collection method: clinical testing. Allele origin: germline.
Comment: This sequence change creates a premature translational stop signal (p.Ile583Alafs*12) in the KCNH2 gene. It is expected to result in an absent or disrupted protein product. Loss-of-function variants in KCNH2 are known to be pathogenic (PMID: 10973849, 19862833). This variant is not present in population databases (gnomAD no frequency). This premature translational stop signal has been observed in individual(s) with sudden unexplained death (PMID: 17222736). This variant is also known as c.INS GC 1746-1747. ClinVar contains an entry for this variant (Variation ID: 958799). For these reasons, this variant has been classified as Pathogenic.

Literature cited by the submitters: PubMed 10973849; PubMed 19862833; PubMed 17222736.